The following is an entry in ClinVar:

ClinVar aggregate classification (germline): Likely benign (1 of 4 stars; one submission).

Submission:

CeGaT Center for Human Genetics Tuebingen
Classification: Likely benign. Last evaluated: 2023-08-01. Review status: criteria provided, single submitter. Criteria: CeGaT Center For Human Genetics Tuebingen Variant Classification Criteria Version 2. Collection method: clinical testing. Allele origin: germline. Affected: yes. Observed: 1 variant allele.
Comment: KMT2D: PM2:Supporting, BP4, BP7

NM_003482.4(KMT2D):c.9438T>G (p.Ala3146=)

Gene: KMT2D (lysine methyltransferase 2D; minus strand). Cytogenetic location: 12q13.12.
Variant type: single nucleotide variant.
Coding change: c.9438T>G on transcript NM_003482.4 (MANE Select); coding-DNA position 9438, T replaced by G.
Protein change: p.Ala3146=; no amino-acid change (alanine 3146 retained).
Molecular consequence: synonymous variant.
Genome position (GRCh38, 1-based): chr12:49,037,918, A>C on the plus strand (T>G on the coding strand, the complement: KMT2D is on the minus strand). VCF-style: chr12-49037918-A-C. GRCh37 (hg19) VCF-style: chr12-49431701-A-C.
Identifiers: ClinVar variation 2642950 (VCV002642950.24), dbSNP rs2120487640, ClinGen allele CA479710054.
Genomic context (GRCh38, chr12:49,037,918, plus strand): 5'-GGTATCCCGGCTGCCCATCATGCTCTGTCCTGGCTTTAGCCCCAGGCCAAGGGAATTGGC[A>C]GCAGGTGCGGGCTCTACCTTGGGGGTAGCAATGGTGAATTGGCAAGGAGAAGGGTGGCGT-3'
Protein context (NP_003473.3, residues 3136-3156): IATPKVEPAP[Ala3146=]ANSLGLGLKP